The following is an entry in ClinVar:

ClinVar aggregate classification (germline): Pathogenic (1 of 4 stars; one submission).

Submission:

Labcorp Genetics (formerly Invitae), Labcorp
Classification: Pathogenic. Last evaluated: 2025-01-15. Review status: criteria provided, single submitter. Criteria: Invitae Variant Classification Sherloc (09022015). Collection method: clinical testing. Allele origin: germline.
Comment: This sequence change creates a premature translational stop signal (p.Glu242*) in the TRAIP gene. It is expected to result in an absent or disrupted protein product. Loss-of-function variants in TRAIP are known to be pathogenic (PMID: 26595769, 31974414). This variant is not present in population databases (gnomAD no frequency). This variant has not been reported in the literature in individuals affected with TRAIP-related conditions. Algorithms developed to predict the effect of sequence changes on RNA splicing suggest that this variant may disrupt the consensus splice site. For these reasons, this variant has been classified as Pathogenic.

Literature cited by the submitters: PubMed 26595769; PubMed 31974414.

NM_005879.3(TRAIP):c.724G>T (p.Glu242Ter)

Gene: TRAIP (TRAF interacting protein; minus strand). Cytogenetic location: 3p21.31.
Variant type: single nucleotide variant.
Coding change: c.724G>T on transcript NM_005879.3 (MANE Select); coding-DNA position 724, G replaced by T.
Protein change: p.Glu242Ter; replaces glutamic acid 242 with a stop codon.
Molecular consequence: nonsense.
Genome position (GRCh38, 1-based): chr3:49,840,355, C>A on the plus strand (G>T on the coding strand, the complement: TRAIP is on the minus strand). VCF-style: chr3-49840355-C-A. GRCh37 (hg19) VCF-style: chr3-49877788-C-A.
Other names: short protein forms E242*.
Identifiers: ClinVar variation 3646873 (VCV003646873.2), dbSNP rs2081828234.
Genomic context (GRCh38, chr3:49,840,355, plus strand): 5'-TGTCAGCACTCTGTAAGTCCTTCTGGGCTGACTTCAGTTCTAACTTGGCCTGATCCAATT[C>A]AGAGTAGACTGTCTGCAACTATAAGAAAGTGTAGGGAATGAAAGACAAGCCAAGTGGTAG-3'